The following is an entry in ClinVar:

ClinVar aggregate classification (germline): Uncertain significance. Review status: criteria provided, multiple submitters, no conflicts (2 of 4 stars). 2 submissions from 2 submitters: Uncertain significance (2). Last evaluated 2025-08-07.

Conditions:
Hereditary cancer-predisposing syndrome. Also called: Tumor predisposition; Hereditary Cancer Syndrome; Hereditary neoplastic syndrome; Neoplastic Syndromes, Hereditary. Identifiers: Orphanet 140162, MedGen C0027672, MeSH D009386, MONDO:0015356.
Neurofibromatosis, type 2 (SWNV). Also called: NF2-Related Schwannomatosis; BILATERAL ACOUSTIC NEUROFIBROMATOSIS; SCHWANNOMATOSIS, VESTIBULAR. Identifiers: Orphanet 637, MedGen C0027832, MONDO:0007039, OMIM 101000. Disease mechanism: loss of function.

Submissions (2):

Labcorp Genetics (formerly Invitae), Labcorp
Classification: Uncertain significance for Neurofibromatosis, type 2. Last evaluated: 2025-08-07. Review status: criteria provided, single submitter. Criteria: Invitae Variant Classification Sherloc (09022015). Collection method: clinical testing. Allele origin: germline.
Comment: This sequence change replaces aspartic acid, which is acidic and polar, with histidine, which is basic and polar, at codon 154 of the NF2 protein (p.Asp154His). This variant is not present in population databases (gnomAD no frequency). This variant has not been reported in the literature in individuals affected with NF2-related conditions. ClinVar contains an entry for this variant (Variation ID: 3404970). Invitae Evidence Modeling of protein sequence and biophysical properties (such as structural, functional, and spatial information, amino acid conservation, physicochemical variation, residue mobility, and thermodynamic stability) indicates that this missense variant is expected to disrupt NF2 protein function with a positive predictive value of 80%. In summary, the available evidence is currently insufficient to determine the role of this variant in disease. Therefore, it has been classified as a Variant of Uncertain Significance.

Ambry Genetics
Classification: Uncertain significance for Hereditary cancer-predisposing syndrome. Last evaluated: 2024-11-14. Review status: criteria provided, single submitter. Criteria: Ambry Variant Classification Scheme 2023. Collection method: clinical testing. Allele origin: germline.
Comment: The p.D154H variant (also known as c.460G>C), located in coding exon 5 of the NF2 gene, results from a G to C substitution at nucleotide position 460. The aspartic acid at codon 154 is replaced by histidine, an amino acid with similar properties. This amino acid position is conserved. In addition, this alteration is predicted to be deleterious by in silico analysis. Based on the available evidence, the clinical significance of this variant remains unclear.

NM_000268.4(NF2):c.460G>C (p.Asp154His)

Gene: NF2 (NF2, moesin-ezrin-radixin like (MERLIN) tumor suppressor; plus strand). Cytogenetic location: 22q12.2.
Variant type: single nucleotide variant.
Coding change: c.460G>C on transcript NM_000268.4 (MANE Select); coding-DNA position 460, G replaced by C.
Protein change: p.Asp154His; replaces aspartic acid 154 with histidine.
Molecular consequence: missense variant. On other transcripts: intron variant (1), 5 prime UTR variant (1).
Genome position (GRCh38, 1-based): chr22:29,654,669, G>C. VCF-style: chr22-29654669-G-C. GRCh37 (hg19) VCF-style: chr22-30050658-G-C.
Other names: c.460G>C, p.Asp154His (NM_016418.5, NM_181825.3, NM_181832.3 and 4 more transcripts); c.334G>C, p.Asp112His (NM_181828.3, NM_001407055.1); c.337G>C, p.Asp113His (NM_181829.3, NM_001407054.1, NM_001407058.1 and 1 more transcripts); c.211G>C, p.Asp71His (NM_181830.3, NM_181831.3, NM_001407063.1 and 1 more transcripts); c.447+12384G>C (NM_181833.3); c.-181G>C (NM_001407065.1); c.229G>C, p.Asp77His (NM_001407067.1); c.346G>C, p.Asp116His (NM_001407053.1, NM_001407056.1); short protein forms D154H, D112H, D71H, D77H, D113H, D116H.
Identifiers: ClinVar variation 3404970 (VCV003404970.3).